The following is an entry in ClinVar:

ClinVar aggregate classification (germline): Likely benign (1 of 4 stars; one submission).

Conditions:
Familial cancer of breast. Also called: hereditary breast carcinoma; BREAST CANCER, FAMILIAL; Hereditary breast cancer. Identifiers: Orphanet 227535, MedGen C0346153, MONDO:0016419, OMIM 114480. Disease mechanism: loss of function.

Submission:

Myriad Genetics, Inc.
Classification: Likely benign for Familial cancer of breast. Last evaluated: 2024-05-28. Review status: criteria provided, single submitter. Criteria: Myriad Autosomal Dominant, Autosomal Recessive and X-Linked Classification Criteria (2023). Collection method: clinical testing. Allele origin: unknown.
Comment: This variant is considered likely benign. This variant is intronic and is not expected to impact mRNA splicing.

NM_000051.4(ATM):c.6007-15T>C

Genes: ATM (ATM serine/threonine kinase; plus strand), C11orf65 (chromosome 11 open reading frame 65; minus strand). Cytogenetic location: 11q22.3.
Variant type: single nucleotide variant.
Coding change: c.6007-15T>C on transcript NM_000051.4 (MANE Select); 15 bases into the intron before coding-DNA position 6007, T replaced by C.
Molecular consequence: intron variant.
Genome position (GRCh38, 1-based): chr11:108,315,808, T>C. VCF-style: chr11-108315808-T-C. GRCh37 (hg19) VCF-style: chr11-108186535-T-C.
Other names: c.6007-15T>C (NM_001351834.2); c.641-6737A>G (NM_001330368.2); c.*39-6737A>G (NM_001351110.2).
Identifiers: ClinVar variation 3254506 (VCV003254506.1), dbSNP rs2136116345.